The following is an entry in ClinVar:

ClinVar aggregate classification (germline): Uncertain significance (1 of 4 stars; one submission).

Allele frequency attached by ClinVar (database versions not stated): gnomAD exomes below 0.00001.
gnomAD v4.1: 7 of 1,614,144 alleles (0.00043%); highest among the groups gnomAD compares: Non-Finnish European, 0.00059%; no homozygotes.

Submission:

Ambry Genetics
Classification: Uncertain significance. Last evaluated: 2023-05-12. Review status: criteria provided, single submitter. Criteria: Ambry Variant Classification Scheme 2023. Collection method: clinical testing. Allele origin: germline.
Comment: The p.P1643A variant (also known as c.4927C>G), located in coding exon 4 of the ALPK2 gene, results from a C to G substitution at nucleotide position 4927. The proline at codon 1643 is replaced by alanine, an amino acid with highly similar properties. This amino acid position is conserved. In addition, this alteration is predicted to be tolerated by in silico analysis. Since supporting evidence is limited at this time, the clinical significance of this alteration remains unclear.

NM_052947.4(ALPK2):c.4927C>G (p.Pro1643Ala)

Gene: ALPK2 (alpha kinase 2; minus strand). Cytogenetic location: 18q21.31.
Variant type: single nucleotide variant.
Coding change: c.4927C>G on transcript NM_052947.4 (MANE Select); coding-DNA position 4927, C replaced by G.
Protein change: p.Pro1643Ala; replaces proline 1643 with alanine.
Molecular consequence: missense variant.
Genome position (GRCh38, 1-based): chr18:58,535,260, G>C on the plus strand (C>G on the coding strand, the complement: ALPK2 is on the minus strand). VCF-style: chr18-58535260-G-C. GRCh37 (hg19) VCF-style: chr18-56202492-G-C.
Other names: short protein forms P1643A.
Identifiers: ClinVar variation 2560583 (VCV002560583.2), dbSNP rs141959270, ClinGen allele CA402559236.